The following is an entry in ClinVar:

NM_000264.5(PTCH1):c.1341dup (p.Leu448fs)

Gene: PTCH1 (patched 1; minus strand). Cytogenetic location: 9q22.32.
Variant type: Duplication.
Coding change: c.1341dup on transcript NM_000264.5 (MANE Select); coding-DNA position 1341, one base duplicated (A; older notation c.1341dupA).
Protein change: p.Leu448fs; shifts the reading frame from leucine 448.
Molecular consequence: frameshift variant. On other transcripts: non-coding transcript variant (1).
Genome position (GRCh38, 1-based): chr9:95,478,061, T duplicated on the plus strand (A on the coding strand, the reverse complement: PTCH1 is on the minus strand). VCF-style (leftmost placement, unchanged base first): chr9-95478060-G-GT. GRCh37 (hg19) VCF-style: chr9-98240342-G-GT.
Other names: c.1143dup, p.Leu382fs (NM_001083602.3); c.1338dup, p.Leu447fs (NM_001083603.3); c.888dup, p.Leu297fs (NM_001083604.3, NM_001083605.3, NM_001083606.3 and 1 more transcripts); c.1341dup, p.Leu448fs (NM_001354918.2); short protein forms L448fs, L382fs, L447fs, L297fs.
Identifiers: ClinVar variation 818896 (VCV000818896.11), dbSNP rs1588602354, ClinGen allele CA915947064.
Genomic context (GRCh38, chr9:95,478,060, plus strand): 5'-GACTAAAACAACCAAACCAAACTCCAGCCCCCAGGAGCATGGCATCGAGCGTTACCATGA[G>GT]TAAGTAGCCGCTGGCCACGCGGATGACACTGACGTCAGAGAAGGATTTCAGGATGTCGTC-3'

ClinVar aggregate classification (germline): Pathogenic. Review status: criteria provided, multiple submitters, no conflicts (2 of 4 stars). 3 submissions from 3 submitters: Pathogenic (3). Last evaluated 2025-04-21.

Conditions:
Hereditary cancer-predisposing syndrome. Also called: Neoplastic Syndromes, Hereditary; Tumor predisposition; Hereditary Cancer Syndrome; Hereditary neoplastic syndrome. Identifiers: Orphanet 140162, MedGen C0027672, MeSH D009386, MONDO:0015356.
Gorlin syndrome. Also called: Nevoid Basal Cell Carcinoma Syndrome; Basal cell nevus syndrome. Identifiers: Orphanet 377, MedGen C0004779, MONDO:0007187.
PTCH1-related disorder. Also called: PTCH1-related disorders; PTCH1-related condition.

Submissions (3):

Ambry Genetics
Classification: Pathogenic for Hereditary cancer-predisposing syndrome. Last evaluated: 2025-04-21. Review status: criteria provided, single submitter. Criteria: Ambry Variant Classification Scheme 2023. Collection method: clinical testing. Allele origin: germline.
Comment: The c.1341dupA pathogenic mutation, located in coding exon 9 of the PTCH1 gene, results from a duplication of A at nucleotide position 1341, causing a translational frameshift with a predicted alternate stop codon (p.L448Tfs*49). This alteration is expected to result in loss of function by premature protein truncation or nonsense-mediated mRNA decay. As such, this alteration is interpreted as a disease-causing mutation.

Labcorp Genetics (formerly Invitae), Labcorp
Classification: Pathogenic for Gorlin syndrome. Last evaluated: 2022-10-29. Review status: criteria provided, single submitter. Criteria: Invitae Variant Classification Sherloc (09022015). Collection method: clinical testing. Allele origin: germline.
Comment: This variant has not been reported in the literature in individuals affected with PTCH1-related conditions. This variant is not present in population databases (gnomAD no frequency). This sequence change creates a premature translational stop signal (p.Leu448Thrfs*49) in the PTCH1 gene. It is expected to result in an absent or disrupted protein product. Loss-of-function variants in PTCH1 are known to be pathogenic (PMID: 16301862, 16419085). ClinVar contains an entry for this variant (Variation ID: 818896). For these reasons, this variant has been classified as Pathogenic.

Blueprint Genetics
Classification: Pathogenic for PTCH1-related disorders. Last evaluated: 2021-12-15. Review status: criteria provided, single submitter. Criteria: ACMG Guidelines, 2015. Collection method: clinical testing. Allele origin: germline. Affected: yes. Observed: 1 variant allele.

Literature cited by the submitters: PubMed 16301862 (cited by Labcorp Genetics (formerly Invitae), Labcorp); PubMed 16419085 (cited by Labcorp Genetics (formerly Invitae), Labcorp).